The following is an entry in ClinVar:

ClinVar aggregate classification (germline): Uncertain significance (1 of 4 stars; one submission).

Conditions:
Joubert syndrome 32 (JBTS32). Identifiers: MedGen C4540342, MONDO:0033309, OMIM 617757.

gnomAD v4.1: 6 of 1,614,010 alleles (0.00037%); highest among the groups gnomAD compares: Non-Finnish European, 0.00042%; no homozygotes.

Submission:

Neuberg Centre For Genomic Medicine, NCGM
Classification: Uncertain significance for Joubert syndrome 32. Review status: criteria provided, single submitter. Criteria: ACMG Guidelines, 2015. Collection method: clinical testing. Allele origin: germline. Inheritance: Autosomal recessive inheritance. Affected: yes.
Comment: The observed missense c.164C>T (p.Thr55Ile) variant in SUFU gene has not been reported previously as a pathogenic variant nor as a benign variant, to our knowledge. The p.Thr55Ile variant is absent in gnomAD Exomes. This variant has not been submitted to the ClinVar database. Multiple lines of computational evidence (Polyphen - Probably Damaging, SIFT - Damaging and MutationTaster - Disease causing) predict a damaging effect on protein structure and function for this variant. The reference amino acid of p.Thr55Ile in SUFU is predicted as conserved by GERP++ and PhyloP across 100 vertebrates. The amino acid Thr at position 55 is changed to a Ile changing protein sequence and it might alter its composition and physico-chemical properties. For these reasons, this variant has been classified as a Variant of Uncertain Significance (VUS).

NM_016169.4(SUFU):c.164C>T (p.Thr55Ile)

Gene: SUFU (SUFU negative regulator of hedgehog signaling; plus strand). Cytogenetic location: 10q24.32.
Variant type: single nucleotide variant.
Coding change: c.164C>T on transcript NM_016169.4 (MANE Select); coding-DNA position 164, C replaced by T.
Protein change: p.Thr55Ile; replaces threonine 55 with isoleucine.
Molecular consequence: missense variant.
Genome position (GRCh38, 1-based): chr10:102,504,316, C>T. VCF-style: chr10-102504316-C-T. GRCh37 (hg19) VCF-style: chr10-104264073-C-T.
Other names: c.164C>T, p.Thr55Ile (NM_001178133.2); short protein forms T55I.
Identifiers: ClinVar variation 3377754 (VCV003377754.1).